The following is an entry in ClinVar:

NM_005172.2(ATOH1):c.150G>A (p.Pro50=)

Gene: ATOH1 (atonal bHLH transcription factor 1; plus strand). Cytogenetic location: 4q22.2.
Variant type: single nucleotide variant.
Coding change: c.150G>A on transcript NM_005172.2 (MANE Select); coding-DNA position 150, G replaced by A.
Protein change: p.Pro50=; no amino-acid change (proline 50 retained).
Molecular consequence: synonymous variant.
Genome position (GRCh38, 1-based): chr4:93,829,076, G>A. VCF-style: chr4-93829076-G-A. GRCh37 (hg19) VCF-style: chr4-94750227-G-A.
Identifiers: ClinVar variation 3049113 (VCV003049113.2), dbSNP rs138388359, ClinGen allele CA3012691.
Genomic context (GRCh38, chr4:93,829,076, plus strand): 5'-ACCGCCGCCGCCGCCGCAGCCACCTGCAACTTTGCAGGCGAGAGAGCATCCCGTCTACCC[G>A]CCTGAGCTGTCCCTCCTGGACAGCACCGACCCACGCGCCTGGCTGGCTCCCACTTTGCAG-3'
Protein context (NP_005163.1, residues 40-60): TLQAREHPVY[Pro50=]PELSLLDSTD

ClinVar aggregate classification (germline): Benign (0 of 4 stars; one submission).

Conditions:
ATOH1-related disorder. Also called: ATOH1-related condition.

Allele frequency attached by ClinVar (database versions not stated): 1000 Genomes Project 0.00160; 1000 Genomes Project 30x 0.00172; ESP Exome Variant Server 0.00238.

Submission:

PreventionGenetics, part of Exact Sciences
Classification: Benign for ATOH1-related condition. Last evaluated: 2019-12-09. Review status: no assertion criteria provided. Collection method: clinical testing. Allele origin: germline.
Comment: This variant is classified as benign based on ACMG/AMP sequence variant interpretation guidelines (Richards et al. 2015 PMID: 25741868, with internal and published modifications).